The following is an entry in ClinVar:

ClinVar aggregate classification (germline): Pathogenic. Review status: criteria provided, multiple submitters, no conflicts (2 of 4 stars). 8 submissions from 8 submitters: Pathogenic (8). Last evaluated 2025-10-18.

Conditions:
GLB1-related disorder. Also called: GLB1-related disorders. Identifiers: MedGen CN377807.
Mucopolysaccharidosis, MPS-IV-B (MPS4B). Also called: Mucopolysaccharidosis Type IVB; Mucopolysaccharidosis type IV B; Mucopolysaccharidosis Type IVB (Morquio B Disease); Mucopolysaccharidosis type IVB (Morquio); MPS IVB; Mucopolysaccharidosis type 4B. Identifiers: Orphanet 309310, Orphanet 582, MedGen C0086652, MONDO:0009660, OMIM 253010.
GM1 gangliosidosis. Identifiers: Orphanet 354, MedGen C0085131, MONDO:0018149.
Infantile GM1 gangliosidosis. Also called: GM1-gangliosidosis, type I; Gangliosidosis, generalized GM1, infantile form; GLB1 deficiency; GM1 gangliosidosis type 1; Gangliosidosis, Generalized GM1, Type 1. Identifiers: Orphanet 354, Orphanet 79255, MedGen C0268271, MONDO:0009260, OMIM 230500.

Allele frequency attached by ClinVar (database versions not stated): gnomAD 0.00001; gnomAD exomes 0.00001; TOPMed 0.00001.
gnomAD v4.1: 21 of 1,613,716 alleles (0.0013%); highest among the groups gnomAD compares: African/African-American, 0.004%; no homozygotes.

Submissions (8):

Labcorp Genetics (formerly Invitae), Labcorp
Classification: Pathogenic for Mucopolysaccharidosis, MPS-IV-B; GM1 gangliosidosis. Last evaluated: 2025-10-18. Review status: criteria provided, single submitter. Criteria: Invitae Variant Classification Sherloc (09022015). Collection method: clinical testing. Allele origin: germline.
Comment: This sequence change replaces arginine, which is basic and polar, with cysteine, which is neutral and slightly polar, at codon 590 of the GLB1 protein (p.Arg590Cys). The frequency data for this variant in the population databases is considered unreliable, as metrics indicate poor data quality at this position in the gnomAD database. This missense change has been observed in individuals with GM1 gangliosidosis (PMID: 16941474, 17309651, 23430803). ClinVar contains an entry for this variant (Variation ID: 194596). Invitae Evidence Modeling of protein sequence and biophysical properties (such as structural, functional, and spatial information, amino acid conservation, physicochemical variation, residue mobility, and thermodynamic stability) indicates that this missense variant is expected to disrupt GLB1 protein function with a positive predictive value of 95%. Experimental studies have shown that this missense change affects GLB1 function (PMID: 17664528). For these reasons, this variant has been classified as Pathogenic.

Natera, Inc.
Classification: Pathogenic for Mucopolysaccharidosis, MPS-IV-B. Last evaluated: 2025-08-25. Review status: criteria provided, single submitter. Criteria: Natera Variant Classification Schema (03/2026). Collection method: clinical testing. Allele origin: germline.
Comment: The c.1768C>T variant in GLB1 is a missense variant predicted to cause substitution of arginine to cysteine at amino acid 590. This variant is rare in the general population with a frequency below the threshold expected for the associated phenotype(s). This variant has been observed in one or more individuals affected with the associated recessive disease, as either homozygous or compound heterozygous with a second variant (PMID: 17309651, 16941474). A different variant at the same position has been determined to be Pathogenic or Likely Pathogenic. Computational prediction algorithms indicate this variant is likely to affect gene or protein function. Given the available evidence, this variant is classified as Pathogenic.

Dubai Health Genomic Medicine Center, Dubai Health
Classification: Pathogenic for GM1-gangliosidosis. Last evaluated: 2024-10-04. Review status: criteria provided, single submitter. Criteria: ACMG Guidelines, 2015. Collection method: research. Allele origin: germline. Affected: yes.
Comment: PS3,PM3(strong),PM2,PP3

Women's Health and Genetics/Laboratory Corporation of America, LabCorp
Classification: Pathogenic for Mucopolysaccharidosis, MPS-IV-B. Last evaluated: 2023-09-20. Review status: criteria provided, single submitter. Criteria: LabCorp Variant Classification Summary - May 2015. Collection method: clinical testing. Allele origin: germline.
Comment: Variant summary: GLB1 c.1768C>T (p.Arg590Cys) results in a non-conservative amino acid change in the encoded protein sequence. Five of five in-silico tools predict a damaging effect of the variant on protein function. The variant allele was found at a frequency of 1.2e-05 in 249130 control chromosomes (gnomAD). c.1768C>T has been reported in the literature in multiple individuals affected with GM1 gangliosidosis (example: Al-Jasmi_2012, Santamaria_2007). These data indicate that the variant is very likely to be associated with disease. At least one publication reports experimental evidence evaluating an impact on protein function. The most pronounced variant effect results in <10% of normal activity (Santamaria_2007). The following publications have been ascertained in the context of this evaluation (PMID: 23430803, 16941474). Three submitters have cited clinical-significance assessments for this variant to ClinVar after 2014. All submitters classified the variant as pathogenic. Based on the evidence outlined above, the variant was classified as pathogenic.

Daryl Scott Lab, Baylor College of Medicine
Classification: Pathogenic for GLB1-related disorder. Last evaluated: 2023-04-11. Review status: criteria provided, single submitter. Criteria: ACMG Guidelines, 2015. Collection method: clinical testing. Allele origin: biparental. Inheritance: Autosomal recessive inheritance. Affected: yes. Observed: 1 homozygote.

Baylor Genetics
Classification: Pathogenic for Infantile GM1 gangliosidosis. Last evaluated: 2017-09-01. Review status: criteria provided, single submitter. Criteria: ACMG Guidelines, 2015. Collection method: clinical testing. Allele origin: germline. Inheritance: Autosomal recessive inheritance. Affected: yes.
Comment: Heterozygotes are expected to be asymptomatic carriers.

Eurofins Ntd Llc (ga)
Classification: Pathogenic. Last evaluated: 2014-06-25. Review status: criteria provided, single submitter. Criteria: EGL Classification Definitions 2015. Collection method: clinical testing. Allele origin: germline. Observed: 3 variant alleles, 2 heterozygotes, 1 homozygote.

Foundation for Research in Genetics and Endocrinology, FRIGE's Institute of Human Genetics
Classification: Pathogenic for Infantile GM1 gangliosidosis. Review status: criteria provided, single submitter. Criteria: ACMG Guidelines, 2015. Collection method: clinical testing. Allele origin: germline. Inheritance: Autosomal recessive inheritance. Affected: yes. Observed: 1 homozygote.
Comment: The homozygous missense variation in exon 16 of GLB1 gene that results in the amino acid substitution to cysteine for arginine at codon of 590 was detected. The variant c.1768C>T (p.Arg590Cys) has not been reported in 1000 genome and has a MAF of 0.0012% in the gnomAD database. The insilico prediction of the variant is dIsease causing by LRT, MutPred, PROVEAN and SIFT

Literature cited by the submitters: PubMed 16941474 (cited by 5 submitters); PubMed 17309651 (cited by Labcorp Genetics (formerly Invitae), Labcorp and Natera, Inc.); PubMed 23430803 (cited by Labcorp Genetics (formerly Invitae), Labcorp and Women's Health and Genetics/Laboratory Corporation of America, LabCorp); PubMed 17664528 (cited by Labcorp Genetics (formerly Invitae), Labcorp and Eurofins Ntd Llc (ga)); PubMed 37673932 (cited by Daryl Scott Lab, Baylor College of Medicine); PubMed 25326635 (cited by Baylor Genetics).

NM_000404.4(GLB1):c.1768C>T (p.Arg590Cys)

Gene: GLB1 (galactosidase beta 1; minus strand). Cytogenetic location: 3p22.3.
Variant type: single nucleotide variant.
Coding change: c.1768C>T on transcript NM_000404.4 (MANE Select); coding-DNA position 1768, C replaced by T.
Protein change: p.Arg590Cys; replaces arginine 590 with cysteine.
Molecular consequence: missense variant. On other transcripts: intron variant (1).
Genome position (GRCh38, 1-based): chr3:32,997,311, G>A on the plus strand (C>T on the coding strand, the complement: GLB1 is on the minus strand). VCF-style: chr3-32997311-G-A. GRCh37 (hg19) VCF-style: chr3-33038803-G-A.
Other names: p.Arg590Cys; c.1678C>T, p.Arg560Cys (NM_001079811.3); c.1375C>T, p.Arg459Cys (NM_001135602.3); c.1912C>T, p.Arg638Cys (NM_001317040.2); c.1734+16745C>T (NM_001393580.1); short protein forms R590C, R560C, R459C, R638C.
Identifiers: ClinVar variation 194596 (VCV000194596.19), dbSNP rs794727165, ClinGen allele CA201253.